The following is an entry in ClinVar:

ClinVar aggregate classification (germline): Uncertain significance (1 of 4 stars; one submission).

Allele frequency attached by ClinVar (database versions not stated): gnomAD exomes 0.00003; ExAC 0.00005; gnomAD 0.00006; ESP Exome Variant Server 0.00008.
gnomAD v4.1: 16 of 1,613,516 alleles (0.00099%); highest among the groups gnomAD compares: African/African-American, 0.02%; no homozygotes.

Submission:

Labcorp Genetics (formerly Invitae), Labcorp
Classification: Uncertain significance. Last evaluated: 2022-07-18. Review status: criteria provided, single submitter. Criteria: Invitae Variant Classification Sherloc (09022015). Collection method: clinical testing. Allele origin: germline.
Comment: This sequence change replaces proline, which is neutral and non-polar, with serine, which is neutral and polar, at codon 754 of the LAMC3 protein (p.Pro754Ser). This variant is present in population databases (rs371563171, gnomAD 0.03%). This variant has not been reported in the literature in individuals affected with LAMC3-related conditions. ClinVar contains an entry for this variant (Variation ID: 1524556). Algorithms developed to predict the effect of missense changes on protein structure and function are either unavailable or do not agree on the potential impact of this missense change (SIFT: "Tolerated"; PolyPhen-2: "Probably Damaging"; Align-GVGD: "Class C0"). In summary, the available evidence is currently insufficient to determine the role of this variant in disease. Therefore, it has been classified as a Variant of Uncertain Significance.

NM_006059.4(LAMC3):c.2260C>T (p.Pro754Ser)

Gene: LAMC3 (laminin subunit gamma 3; plus strand). Cytogenetic location: 9q34.12.
Variant type: single nucleotide variant.
Coding change: c.2260C>T on transcript NM_006059.4 (MANE Select); coding-DNA position 2260, C replaced by T.
Protein change: p.Pro754Ser; replaces proline 754 with serine.
Molecular consequence: missense variant.
Genome position (GRCh38, 1-based): chr9:131,061,136, C>T. VCF-style: chr9-131061136-C-T. GRCh37 (hg19) VCF-style: chr9-133936523-C-T.
Other names: short protein forms P754S.
Identifiers: ClinVar variation 1524556 (VCV001524556.3), dbSNP rs371563171, ClinGen allele CA5287370.
Genomic context (GRCh38, chr9:131,061,136, plus strand): 5'-GAACGCTGTTTGCCAGGTTTCTATGGCAACCCTTTCGCGGGCCAAGCCGACGACTGCCAG[C>T]CCTGTCCCTGCCCTGGCCAGTCGGCCTGTACGACCATCCCAGAGAGCCGGGAGGTGGTGT-3'
Protein context (NP_006050.3, residues 744-764): PFAGQADDCQ[Pro754Ser]CPCPGQSACT